The following is an entry in ClinVar:

NM_005045.4(RELN):c.10019C>T (p.Ser3340Leu)

Genes: SLC26A5-AS1 (SLC26A5 antisense RNA 1; plus strand), RELN (reelin; minus strand). Cytogenetic location: 7q22.1.
Variant type: single nucleotide variant.
Coding change: c.10019C>T on transcript NM_005045.4 (MANE Select); coding-DNA position 10019, C replaced by T.
Protein change: p.Ser3340Leu; replaces serine 3340 with leucine.
Molecular consequence: missense variant.
Genome position (GRCh38, 1-based): chr7:103,483,815, G>A on the plus strand (C>T on the coding strand, the complement: RELN is on the minus strand). VCF-style: chr7-103483815-G-A. GRCh37 (hg19) VCF-style: chr7-103124262-G-A.
Other names: c.10019C>T, p.Ser3340Leu (NM_173054.3); short protein forms S3340L.
Identifiers: ClinVar variation 1696262 (VCV001696262.7), dbSNP rs1469215547, ClinGen allele CA368739237.

ClinVar aggregate classification (germline): Conflicting classifications of pathogenicity. Review status: criteria provided, conflicting classifications (1 of 4 stars). 2 submissions from 2 submitters: Uncertain significance (1); Likely benign (1). Last evaluated 2023-02-10.

Conditions:
Familial temporal lobe epilepsy 7. Identifiers: Orphanet 101046, MedGen C4225327, MONDO:0014639, OMIM 616436.
Norman-Roberts syndrome (LIS2). Also called: Lissencephaly 2 (Norman-Roberts type). Identifiers: Orphanet 89844, MedGen C0796089, MONDO:0009760, OMIM 257320.

Allele frequency attached by ClinVar (database versions not stated): gnomAD exomes below 0.00001; gnomAD 0.00002; TOPMed 0.00003.
gnomAD v4.1: 8 of 1,613,896 alleles (0.0005%); highest among the groups gnomAD compares: Middle Eastern, 0.016%; no homozygotes.

Submissions (2):

Labcorp Genetics (formerly Invitae), Labcorp
Classification: Likely benign for Familial temporal lobe epilepsy 7; Norman-Roberts syndrome. Last evaluated: 2023-02-10. Review status: criteria provided, single submitter. Criteria: Invitae Variant Classification Sherloc (09022015). Collection method: clinical testing. Allele origin: germline.

Women's Health and Genetics/Laboratory Corporation of America, LabCorp
Classification: Uncertain significance. Last evaluated: 2022-05-13. Review status: criteria provided, single submitter. Criteria: LabCorp Variant Classification Summary - May 2015. Collection method: clinical testing. Allele origin: germline.
Comment: Variant summary: RELN c.10019C>T (p.Ser3340Leu) results in a non-conservative amino acid change in the encoded protein sequence. Three of five in-silico tools predict a benign effect of the variant on protein function. The variant allele was found at a frequency of 4e-06 in 250718 control chromosomes. The available data on variant occurrences in the general population are insufficient to allow any conclusion about variant significance. To our knowledge, no occurrence of c.10019C>T in individuals affected with Epilepsy Familial Temporal Lobe 7 and no experimental evidence demonstrating its impact on protein function have been reported. No clinical diagnostic laboratories have submitted clinical-significance assessments for this variant to ClinVar after 2014. Based on the evidence outlined above, the variant was classified as uncertain significance.